The following is an entry in ClinVar:

NM_018062.4(FANCL):c.44T>A (p.Leu15His)

Gene: FANCL (FA complementation group L; minus strand). Cytogenetic location: 2p16.1.
Variant type: single nucleotide variant.
Coding change: c.44T>A on transcript NM_018062.4 (MANE Select); coding-DNA position 44, T replaced by A.
Protein change: p.Leu15His; replaces leucine 15 with histidine.
Molecular consequence: missense variant.
Genome position (GRCh38, 1-based): chr2:58,241,270, A>T on the plus strand (T>A on the coding strand, the complement: FANCL is on the minus strand). VCF-style: chr2-58241270-A-T. GRCh37 (hg19) VCF-style: chr2-58468405-A-T.
Other names: c.44T>A, p.Leu15His (NM_001114636.2, NM_001374615.1, NM_001410792.1); short protein forms L15H.
Identifiers: ClinVar variation 1414932 (VCV001414932.8), dbSNP rs1694519859, ClinGen allele CA347035147.

ClinVar aggregate classification (germline): Uncertain significance (1 of 4 stars; one submission).

Conditions:
Fanconi anemia (FA). Also called: Fanconi's anemia. Identifiers: Orphanet 84, MedGen C0015625, MeSH D005199, MONDO:0019391.

Submission:

Labcorp Genetics (formerly Invitae), Labcorp
Classification: Uncertain significance for Fanconi anemia. Last evaluated: 2021-05-04. Review status: criteria provided, single submitter. Criteria: Invitae Variant Classification Sherloc (09022015). Collection method: clinical testing. Allele origin: germline.
Comment: Algorithms developed to predict the effect of missense changes on protein structure and function (SIFT, PolyPhen-2, Align-GVGD) all suggest that this variant is likely to be disruptive, but these predictions have not been confirmed by published functional studies and their clinical significance is uncertain. In summary, the available evidence is currently insufficient to determine the role of this variant in disease. Therefore, it has been classified as a Variant of Uncertain Significance. This variant has not been reported in the literature in individuals with FANCL-related conditions. This variant is not present in population databases (ExAC no frequency). This sequence change replaces leucine with histidine at codon 15 of the FANCL protein (p.Leu15His). The leucine residue is highly conserved and there is a moderate physicochemical difference between leucine and histidine.